The following is an entry in ClinVar:

NM_001160372.4(TRAPPC9):c.3067G>A (p.Asp1023Asn)

Gene: TRAPPC9 (trafficking protein particle complex subunit 9; minus strand). Cytogenetic location: 8q24.3.
Variant type: single nucleotide variant.
Coding change: c.3067G>A on transcript NM_001160372.4 (MANE Select); coding-DNA position 3067, G replaced by A.
Protein change: p.Asp1023Asn; replaces aspartic acid 1023 with asparagine.
Molecular consequence: missense variant. On other transcripts: non-coding transcript variant (1).
Genome position (GRCh38, 1-based): chr8:139,732,191, C>T on the plus strand (G>A on the coding strand, the complement: TRAPPC9 is on the minus strand). VCF-style: chr8-139732191-C-T. GRCh37 (hg19) VCF-style: chr8-140744434-C-T.
Other names: c.3040G>A, p.Asp1014Asn (NM_001321646.2); c.3088G>A, p.Asp1030Asn (NM_001374682.1); c.2956G>A, p.Asp986Asn (NM_001374683.1); c.2923G>A, p.Asp975Asn (NM_001374684.1); c.3067G>A, p.Asp1023Asn (NM_031466.8); short protein forms D1023N, D1014N, D1030N, D975N, D986N.
Identifiers: ClinVar variation 3728402 (VCV003728402.2).

ClinVar aggregate classification (germline): Uncertain significance (1 of 4 stars; one submission).

gnomAD v4.1: 2 of 1,591,386 alleles (0.00013%); highest among the groups gnomAD compares: Non-Finnish European, 0.00017%; no homozygotes.

Submission:

Labcorp Genetics (formerly Invitae), Labcorp
Classification: Uncertain significance. Last evaluated: 2025-01-02. Review status: criteria provided, single submitter. Criteria: Invitae Variant Classification Sherloc (09022015). Collection method: clinical testing. Allele origin: germline.
Comment: This sequence change replaces aspartic acid, which is acidic and polar, with asparagine, which is neutral and polar, at codon 1121 of the TRAPPC9 protein (p.Asp1121Asn). The frequency data for this variant in the population databases is considered unreliable, as metrics indicate poor data quality at this position in the gnomAD database. This variant has not been reported in the literature in individuals affected with TRAPPC9-related conditions. An algorithm developed to predict the effect of missense changes on protein structure and function (PolyPhen-2) suggests that this variant is likely to be disruptive. In summary, the available evidence is currently insufficient to determine the role of this variant in disease. Therefore, it has been classified as a Variant of Uncertain Significance.